The following is an entry in ClinVar:

ClinVar aggregate classification (germline): Benign. Review status: criteria provided, multiple submitters, no conflicts (2 of 4 stars). 2 submissions from 2 submitters: Benign (2). Last evaluated 2018-01-12.

Conditions:
Disorders of Intracellular Cobalamin Metabolism. Identifiers: MedGen CN043592.

Allele frequency attached by ClinVar (database versions not stated): gnomAD 0.06118 and 0.06248; TOPMed 0.07137; 1000 Genomes Project 0.10423; 1000 Genomes Project 30x 0.10650.

Submissions (2):

Illumina Laboratory Services, Illumina
Classification: Benign for Disorders of Intracellular Cobalamin Metabolism. Last evaluated: 2018-01-12. Review status: criteria provided, single submitter. Criteria: ICSL Variant Classification Criteria 13 December 2019. Collection method: clinical testing. Allele origin: germline.
Comment: This variant was observed in the ICSL laboratory as part of a predisposition screen in an ostensibly healthy population. It had not been previously curated by ICSL or reported in the Human Gene Mutation Database (HGMD: prior to June 1st, 2018), and was therefore a candidate for classification through an automated scoring system. Utilizing variant allele frequency, disease prevalence and penetrance estimates, and inheritance mode, an automated score was calculated to assess if this variant is too frequent to cause the disease. Based on the score and internal cut-off values, a variant classified as benign is not then subjected to further curation. The score for this variant resulted in a classification of benign for this disease.

Breakthrough Genomics
Classification: Benign. Review status: criteria provided, single submitter. Criteria: ACMG Guidelines, 2015. Collection method: not provided. Allele origin: germline. Inheritance: Autosomal recessive inheritance. Affected: yes.

NM_000254.3(MTR):c.*1469T>C

Gene: MTR (5-methyltetrahydrofolate-homocysteine methyltransferase; plus strand). Cytogenetic location: 1q43.
Variant type: single nucleotide variant.
Coding change: c.*1469T>C on transcript NM_000254.3 (MANE Select); 1469 bases downstream of the stop codon, T replaced by C.
Molecular consequence: 3 prime UTR variant.
Genome position (GRCh38, 1-based): chr1:236,899,113, T>C. VCF-style: chr1-236899113-T-C. GRCh37 (hg19) VCF-style: chr1-237062413-T-C.
Other names: c.*1469T>C (NM_001291939.1, NM_001291940.2).
Identifiers: ClinVar variation 296614 (VCV000296614.6), dbSNP rs3768159, ClinGen allele CA10610645.
Genomic context (GRCh38, chr1:236,899,113, plus strand): 5'-GAGGAACAAATGAAGAACCATCTTTGTTCATGAATAGGAATATTCAAGATTATAAAGGTA[T>C]CAGGTCTCCTAAAATTGATCTATGGATTTAATACCATTTTCAATGGAAATTCCAACAGAT-3'